The following is an entry in ClinVar:

ClinVar aggregate classification (germline): Uncertain significance (1 of 4 stars; one submission).

Submission:

Labcorp Genetics (formerly Invitae), Labcorp
Classification: Uncertain significance. Last evaluated: 2023-11-05. Review status: criteria provided, single submitter. Criteria: Invitae Variant Classification Sherloc (09022015). Collection method: clinical testing. Allele origin: germline.
Comment: This sequence change replaces glutamine, which is neutral and polar, with glutamic acid, which is acidic and polar, at codon 555 of the GEN1 protein (p.Gln555Glu). This variant is not present in population databases (gnomAD no frequency). This variant has not been reported in the literature in individuals affected with GEN1-related conditions. Algorithms developed to predict the effect of missense changes on protein structure and function output the following: SIFT: "Not Available"; PolyPhen-2: "Benign"; Align-GVGD: "Not Available". The glutamic acid amino acid residue is found in multiple mammalian species, which suggests that this missense change does not adversely affect protein function. In summary, the available evidence is currently insufficient to determine the role of this variant in disease. Therefore, it has been classified as a Variant of Uncertain Significance.

NM_001130009.3(GEN1):c.1663C>G (p.Gln555Glu)

Gene: GEN1 (GEN1 structure-specific endonuclease; plus strand). Cytogenetic location: 2p24.2.
Variant type: single nucleotide variant.
Coding change: c.1663C>G on transcript NM_001130009.3 (MANE Select); coding-DNA position 1663, C replaced by G.
Protein change: p.Gln555Glu; replaces glutamine 555 with glutamic acid.
Molecular consequence: missense variant.
Genome position (GRCh38, 1-based): chr2:17,780,875, C>G. VCF-style: chr2-17780875-C-G. GRCh37 (hg19) VCF-style: chr2-17962142-C-G.
Other names: c.1663C>G, p.Gln555Glu (NM_182625.5); short protein forms Q555E.
Identifiers: ClinVar variation 2693369 (VCV002693369.3), dbSNP rs2545627392, ClinGen allele CA345926354.